The following is an entry in ClinVar:

ClinVar aggregate classification (germline): Uncertain significance (1 of 4 stars; one submission).

Allele frequency attached by ClinVar (database versions not stated): gnomAD 0.00001; TOPMed 0.00001.
gnomAD v4.1: 4 of 1,595,060 alleles (0.00025%); highest among the groups gnomAD compares: African/African-American, 0.004%; no homozygotes.

Submission:

Labcorp Genetics (formerly Invitae), Labcorp
Classification: Uncertain significance. Last evaluated: 2022-11-22. Review status: criteria provided, single submitter. Criteria: Invitae Variant Classification Sherloc (09022015). Collection method: clinical testing. Allele origin: germline.
Comment: In summary, the available evidence is currently insufficient to determine the role of this variant in disease. Therefore, it has been classified as a Variant of Uncertain Significance. Experimental studies and prediction algorithms are not available or were not evaluated, and the functional significance of this variant is currently unknown. This variant has not been reported in the literature in individuals affected with KCNK4-related conditions. This variant is present in population databases (no rsID available, gnomAD 0.005%). This sequence change replaces valine, which is neutral and non-polar, with methionine, which is neutral and non-polar, at codon 378 of the KCNK4 protein (p.Val378Met).

NM_033310.3(KCNK4):c.1132G>A (p.Val378Met)

Genes: KCNK4 (potassium two pore domain channel subfamily K member 4; plus strand), KCNK4-CATSPERZ (KCNK4-CATSPERZ readthrough (NMD candidate); plus strand). Cytogenetic location: 11q13.1.
Variant type: single nucleotide variant.
Coding change: c.1132G>A on transcript NM_033310.3 (MANE Select); coding-DNA position 1132, G replaced by A.
Protein change: p.Val378Met; replaces valine 378 with methionine.
Molecular consequence: missense variant. On other transcripts: non-coding transcript variant (3).
Genome position (GRCh38, 1-based): chr11:64,299,676, G>A. VCF-style: chr11-64299676-G-A. GRCh37 (hg19) VCF-style: chr11-64067148-G-A.
Other names: c.1132G>A, p.Val378Met (NM_001317090.2, NM_033311.1); short protein forms V378M.
Identifiers: ClinVar variation 2107787 (VCV002107787.4), dbSNP rs1263269118, ClinGen allele CA381069533.